The following is an entry in ClinVar:

ClinVar aggregate classification (germline): Likely benign. Review status: criteria provided, multiple submitters, no conflicts (2 of 4 stars). 4 submissions from 4 submitters: Likely benign (4). Last evaluated 2026-06-09.

Conditions:
Dilated cardiomyopathy 1G (CMD1G). Identifiers: Orphanet 154, MedGen C1858763, MONDO:0011400, OMIM 604145.
Autosomal recessive limb-girdle muscular dystrophy type 2J (LGMDR10). Also called: MUSCULAR DYSTROPHY, LIMB-GIRDLE, AUTOSOMAL RECESSIVE 10; Limb-girdle muscular dystrophy, type 2J. Identifiers: Orphanet 140922, MedGen C1837342, MONDO:0012127, OMIM 608807.
Cardiovascular phenotype. Identifiers: MedGen CN230736.

Allele frequency attached by ClinVar (database versions not stated): TOPMed below 0.00001; gnomAD exomes below 0.00001.
gnomAD v4.1: 2 of 1,613,960 alleles (0.00012%); highest among the groups gnomAD compares: African/African-American, 0.0027%; no homozygotes.

Submissions (4):

Ambry Genetics
Classification: Likely benign for Cardiovascular phenotype. Last evaluated: 2026-06-09. Review status: criteria provided, single submitter. Criteria: Ambry Variant Classification Scheme 2023. Collection method: clinical testing. Allele origin: germline.

Women's Health and Genetics/Laboratory Corporation of America, LabCorp
Classification: Likely benign. Last evaluated: 2025-09-15. Review status: criteria provided, single submitter. Criteria: LabCorp Variant Classification Summary - May 2015. Collection method: clinical testing. Allele origin: germline.

Labcorp Genetics (formerly Invitae), Labcorp
Classification: Likely benign for Dilated cardiomyopathy 1G; Autosomal recessive limb-girdle muscular dystrophy type 2J. Last evaluated: 2025-04-04. Review status: criteria provided, single submitter. Criteria: Invitae Variant Classification Sherloc (09022015). Collection method: clinical testing. Allele origin: germline.

GeneDx
Classification: Likely benign. Last evaluated: 2018-02-01. Review status: criteria provided, single submitter. Criteria: GeneDx Variant Classification (06012015). Collection method: clinical testing. Allele origin: germline. Affected: yes.
Comment: This variant is considered likely benign or benign based on one or more of the following criteria: it is a conservative change, it occurs at a poorly conserved position in the protein, it is predicted to be benign by multiple in silico algorithms, and/or has population frequency not consistent with disease.

NM_001267550.2(TTN):c.6567C>T (p.Asp2189=)

Gene: TTN (titin; minus strand). Cytogenetic location: 2q31.2.
Variant type: single nucleotide variant.
Coding change: c.6567C>T on transcript NM_001267550.2 (MANE Select); coding-DNA position 6567, C replaced by T.
Protein change: p.Asp2189=; no amino-acid change (aspartic acid 2189 retained).
Molecular consequence: synonymous variant.
Genome position (GRCh38, 1-based): chr2:178,775,144, G>A on the plus strand (C>T on the coding strand, the complement: TTN is on the minus strand). VCF-style: chr2-178775144-G-A. GRCh37 (hg19) VCF-style: chr2-179639871-G-A.
Other names: c.6567C>T, p.Asp2189= (NM_001256850.1, NM_133378.4, NM_133379.5); c.6429C>T, p.Asp2143= (NM_003319.4, NM_133432.3, NM_133437.4).
Identifiers: ClinVar variation 515312 (VCV000515312.12), dbSNP rs879111475, ClinGen allele CA61007674.